The following is an entry in ClinVar:

NM_001395656.1(ROBO2):c.*1290G>T

Gene: ROBO2 (roundabout guidance receptor 2; plus strand). Cytogenetic location: 3p12.3.
Variant type: single nucleotide variant.
Coding change: c.*1290G>T on transcript NM_001395656.1 (MANE Select); 1290 bases downstream of the stop codon, G replaced by T.
Molecular consequence: 3 prime UTR variant.
Genome position (GRCh38, 1-based): chr3:77,647,345, G>T. VCF-style: chr3-77647345-G-T. GRCh37 (hg19) VCF-style: chr3-77696496-G-T.
Other names: c.*1290G>T (NM_001128929.3, NM_001290039.2, NM_001290040.2 and 14 more transcripts); c.*1287G>T (NM_001378194.1, NM_001378196.1, NM_001378199.1 and 3 more transcripts).
Identifiers: ClinVar variation 346734 (VCV000346734.6), dbSNP rs568949141, ClinGen allele CA10616697.

ClinVar aggregate classification (germline): Benign (1 of 4 stars; one submission).

Conditions:
Vesicoureteral reflux 2 (VUR2). Identifiers: Orphanet 289365, MedGen C1970483, MONDO:0012573, OMIM 610878.

Allele frequency attached by ClinVar (database versions not stated): 1000 Genomes Project 0.00060; 1000 Genomes Project 30x 0.00062; gnomAD 0.00103 and 0.00117; TOPMed 0.00136.

Submission:

Illumina Laboratory Services, Illumina
Classification: Benign for Vesicoureteral reflux 2. Last evaluated: 2018-01-13. Review status: criteria provided, single submitter. Criteria: ICSL Variant Classification Criteria 13 December 2019. Collection method: clinical testing. Allele origin: germline.
Comment: This variant was observed in the ICSL laboratory as part of a predisposition screen in an ostensibly healthy population. It had not been previously curated by ICSL or reported in the Human Gene Mutation Database (HGMD: prior to June 1st, 2018), and was therefore a candidate for classification through an automated scoring system. Utilizing variant allele frequency, disease prevalence and penetrance estimates, and inheritance mode, an automated score was calculated to assess if this variant is too frequent to cause the disease. Based on the score and internal cut-off values, a variant classified as benign is not then subjected to further curation. The score for this variant resulted in a classification of benign for this disease.